The following is an entry in ClinVar:

NM_181703.4(GJA5):c.833A>G (p.Lys278Arg)

Genes: GJA5 (gap junction protein alpha 5; minus strand), LOC122128420 (Sharpr-MPRA regulatory region 3144; plus strand). Cytogenetic location: 1q21.2.
Variant type: single nucleotide variant.
Coding change: c.833A>G on transcript NM_181703.4 (MANE Select); coding-DNA position 833, A replaced by G.
Protein change: p.Lys278Arg; replaces lysine 278 with arginine.
Molecular consequence: missense variant.
Genome position (GRCh38, 1-based): chr1:147,758,406, T>C on the plus strand (A>G on the coding strand, the complement: GJA5 is on the minus strand). VCF-style: chr1-147758406-T-C. GRCh37 (hg19) VCF-style: chr1-147230514-T-C.
Other names: c.833A>G, p.Lys278Arg (NM_005266.7); short protein forms K278R.
Identifiers: ClinVar variation 1442437 (VCV001442437.6), dbSNP rs2148958862, ClinGen allele CA342394414.

ClinVar aggregate classification (germline): Uncertain significance (1 of 4 stars; one submission).

Conditions:
Atrial standstill 1 (ATRST1). Also called: ATRIAL CARDIOMYOPATHY WITH HEART BLOCK; CARDIOMYOPATHY, FAMILIAL, WITH CONDUCTION DISTURBANCE; Atrial standstill, digenic (GJA5/SCN5A). Identifiers: Orphanet 1344, MedGen C4551959, MONDO:0007171, OMIM 108770.
Atrial fibrillation, familial, 11 (ATFB11). Identifiers: MedGen C3279693, MONDO:0013544, OMIM 614049.

gnomAD v4.1: 2 of 1,614,072 alleles (0.00012%); highest among the groups gnomAD compares: Non-Finnish European, 0.00017%; no homozygotes.

Submission:

Labcorp Genetics (formerly Invitae), Labcorp
Classification: Uncertain significance for Atrial fibrillation, familial, 11; Atrial standstill 1. Last evaluated: 2021-09-18. Review status: criteria provided, single submitter. Criteria: Invitae Variant Classification Sherloc (09022015). Collection method: clinical testing. Allele origin: germline.
Comment: In summary, the available evidence is currently insufficient to determine the role of this variant in disease. Therefore, it has been classified as a Variant of Uncertain Significance. Algorithms developed to predict the effect of missense changes on protein structure and function are either unavailable or do not agree on the potential impact of this missense change (SIFT: "Not Available"; PolyPhen-2: "Benign"; Align-GVGD: "Not Available"). This variant has not been reported in the literature in individuals affected with GJA5-related conditions. This variant is not present in population databases (ExAC no frequency). This sequence change replaces lysine with arginine at codon 278 of the GJA5 protein (p.Lys278Arg). The lysine residue is moderately conserved and there is a small physicochemical difference between lysine and arginine.